The following is an entry in ClinVar:

NM_000204.5(CFI):c.596C>T (p.Thr199Ile)

Gene: CFI (complement factor I; minus strand). Cytogenetic location: 4q25.
Variant type: single nucleotide variant.
Coding change: c.596C>T on transcript NM_000204.5 (MANE Select); coding-DNA position 596, C replaced by T.
Protein change: p.Thr199Ile; replaces threonine 199 with isoleucine.
Molecular consequence: missense variant. On other transcripts: 5 prime UTR variant (1), non-coding transcript variant (3).
Genome position (GRCh38, 1-based): chr4:109,761,579, G>A on the plus strand (C>T on the coding strand, the complement: CFI is on the minus strand). VCF-style: chr4-109761579-G-A. GRCh37 (hg19) VCF-style: chr4-110682735-G-A.
Other names: c.596C>T, p.Thr199Ile (NM_001331035.2, NM_001375278.1, NM_001375279.1 and 5 more transcripts); c.-14C>T (NM_001375284.1); short protein forms T199I.
Identifiers: ClinVar variation 3699649 (VCV003699649.2).

ClinVar aggregate classification (germline): Uncertain significance (1 of 4 stars; one submission).

Submission:

Labcorp Genetics (formerly Invitae), Labcorp
Classification: Uncertain significance. Last evaluated: 2025-07-06. Review status: criteria provided, single submitter. Criteria: Invitae Variant Classification Sherloc (09022015). Collection method: clinical testing. Allele origin: germline.
Comment: This sequence change replaces threonine, which is neutral and polar, with isoleucine, which is neutral and non-polar, at codon 199 of the CFI protein (p.Thr199Ile). This variant is not present in population databases (gnomAD no frequency). This variant has not been reported in the literature in individuals affected with CFI-related conditions. ClinVar contains an entry for this variant (Variation ID: 3699649). Invitae Evidence Modeling of protein sequence and biophysical properties (such as structural, functional, and spatial information, amino acid conservation, physicochemical variation, residue mobility, and thermodynamic stability) indicates that this missense variant is not expected to disrupt CFI protein function with a negative predictive value of 80%. In summary, the available evidence is currently insufficient to determine the role of this variant in disease. Therefore, it has been classified as a Variant of Uncertain Significance.